The following is an entry in ClinVar:

NM_001347721.2(DYRK1A):c.1803CCA[4] (p.His610del)

Gene: DYRK1A (dual specificity tyrosine phosphorylation regulated kinase 1A; plus strand). Cytogenetic location: 21q22.13.
Variant type: Microsatellite.
Coding change: c.1803CCA[4] on transcript NM_001347721.2 (MANE Select); four copies in a row of the 3-base unit CCA starting at c.1803; the reference has five copies in a row; one copy, 3 bases deleted.
Protein change: p.His610del; deletes histidine 610.
Molecular consequence: inframe deletion. On other transcripts: 3 prime UTR variant (2).
Genome position (GRCh38, 1-based): chr21:37,512,081-37,512,083, CCA deleted; deleting any 3 consecutive bases within chr21:37,512,067-37,512,083 gives the same sequence; the position shown is the placement nearest the transcript's 3' end. VCF-style (leftmost placement, unchanged base first): chr21-37512066-TCAC-T. GRCh37 (hg19) VCF-style: chr21-38884369-TCAC-T.
Other names: c.1803CCA[4], p.His610del (NM_001347722.2, NM_130436.2); c.1716CCA[4], p.His581del (NM_001347723.2); c.1830CCA[4], p.His619del (NM_001396.5); c.*206CCA[4] (NM_101395.2); c.*115CCA[4] (NM_130438.2); c.1842_1844del (NM_001396.3); c.1842_1844delCCA (NM_001396.4); short protein forms H610del, H581del, H619del.
Identifiers: ClinVar variation 720827 (VCV000720827.15), dbSNP rs760576043, ClinGen allele CA10024102.
Genomic context (GRCh38, chr21:37,512,066, plus strand): 5'-TCATGTAGCCCCTCAACAGAATGCATTGCATCATCACCATGGTAACAGTTCCCATCACCA[TCAC>T]CACCACCACCACCATCACCACCACCATGGACAACAAGCCTTGGGTAACCGGACCAGGCCA-3'

ClinVar aggregate classification (germline): Benign/Likely benign. Review status: criteria provided, multiple submitters, no conflicts (2 of 4 stars). 3 submissions from 3 submitters: Benign (1); Likely benign (1). 1 of the submissions does not count toward it. Last evaluated 2024-01-14.

Conditions:
DYRK1A-related intellectual disability syndrome (MRD7). Also called: DYRK1A Syndrome; Intellectual developmental disorder, autosomal dominant 7. Identifiers: Orphanet 464306, MedGen C5568143, MONDO:0013578, OMIM 614104.
DYRK1A-related disorder.
Inborn genetic diseases. Identifiers: MedGen C0950123, MeSH D030342.

Submissions (3):

Labcorp Genetics (formerly Invitae), Labcorp
Classification: Benign for DYRK1A-related intellectual disability syndrome. Last evaluated: 2024-01-14. Review status: criteria provided, single submitter. Criteria: Invitae Variant Classification Sherloc (09022015). Collection method: clinical testing. Allele origin: germline.

Ambry Genetics
Classification: Likely benign for Inborn genetic diseases. Last evaluated: 2019-05-31. Review status: criteria provided, single submitter. Criteria: Ambry Variant Classification Scheme 2023. Collection method: clinical testing. Allele origin: germline.

PreventionGenetics, part of Exact Sciences
Classification: Likely benign for DYRK1A-related condition. Last evaluated: 2023-05-06. Review status: no assertion criteria provided. Collection method: clinical testing. Allele origin: germline. Not counted in ClinVar's aggregate classification.
Comment: This variant is classified as likely benign based on ACMG/AMP sequence variant interpretation guidelines (Richards et al. 2015 PMID: 25741868, with internal and published modifications).